The following is an entry in ClinVar:

ClinVar aggregate classification (germline): Likely benign. Review status: criteria provided, multiple submitters, no conflicts (2 of 4 stars). 3 submissions from 3 submitters: Likely benign (2). 1 of the submissions does not count toward it. Last evaluated 2025-10-07.

Conditions:
Hereditary pancreatitis (PCTT). Also called: Hereditary chronic pancreatitis; PRSS1-Related Hereditary Pancreatitis. Identifiers: Orphanet 676, MedGen C0238339, MONDO:0008185, OMIM 167800.
CPA1-related disorder. Also called: CPA1-related condition.

Allele frequency attached by ClinVar (database versions not stated): gnomAD 0.00001 and 0.00002; gnomAD exomes 0.00002 and 0.00005; ExAC 0.00005; TOPMed 0.00009.

Submissions (3):

Labcorp Genetics (formerly Invitae), Labcorp
Classification: Likely benign. Last evaluated: 2025-10-07. Review status: criteria provided, single submitter. Criteria: Invitae Variant Classification Sherloc (09022015). Collection method: clinical testing. Allele origin: germline.

Ambry Genetics
Classification: Likely benign for Hereditary pancreatitis. Last evaluated: 2020-07-27. Review status: criteria provided, single submitter. Criteria: Ambry Variant Classification Scheme 2023. Collection method: clinical testing. Allele origin: germline.

PreventionGenetics, part of Exact Sciences
Classification: Likely benign for CPA1-related condition. Last evaluated: 2019-04-08. Review status: no assertion criteria provided. Collection method: clinical testing. Allele origin: germline. Not counted in ClinVar's aggregate classification.
Comment: This variant is classified as likely benign based on ACMG/AMP sequence variant interpretation guidelines (Richards et al. 2015 PMID: 25741868, with internal and published modifications).

NM_001868.4(CPA1):c.825C>T (p.Tyr275=)

Gene: CPA1 (carboxypeptidase A1; plus strand). Cytogenetic location: 7q32.2.
Variant type: single nucleotide variant.
Coding change: c.825C>T on transcript NM_001868.4 (MANE Select); coding-DNA position 825, C replaced by T.
Protein change: p.Tyr275=; no amino-acid change (tyrosine 275 retained).
Molecular consequence: synonymous variant.
Genome position (GRCh38, 1-based): chr7:130,385,183, C>T. VCF-style: chr7-130385183-C-T. GRCh37 (hg19) VCF-style: chr7-130025024-C-T.
Other names: c.825C>T (NM_001868.3).
Identifiers: ClinVar variation 1141612 (VCV001141612.13), dbSNP rs782346209, ClinGen allele CA4484969.